The following is an entry in ClinVar:

NM_001365951.3(KIF1B):c.4865_4869del (p.Ser1622fs)

Gene: KIF1B (kinesin family member 1B; plus strand). Cytogenetic location: 1p36.22.
Variant type: Deletion.
Coding change: c.4865_4869del on transcript NM_001365951.3 (MANE Select); coding-DNA positions 4865 to 4869, 5 bases deleted (CCAGT; older notation c.4865_4869delCCAGT).
Protein change: p.Ser1622fs; shifts the reading frame from serine 1622.
Molecular consequence: frameshift variant.
Genome position (GRCh38, 1-based): chr1:10,371,181-10,371,185, CCAGT deleted; deleting any 5 consecutive bases within chr1:10,371,178-10,371,185 gives the same sequence; the c. name uses the placement nearest the transcript's 3' end. VCF-style (leftmost placement, unchanged base first): chr1-10371177-GAGTCC-G. GRCh37 (hg19) VCF-style: chr1-10431235-GAGTCC-G.
Other names: c.4865_4869del, p.Ser1622fs (NM_001365952.1); c.4727_4731del, p.Ser1576fs (NM_015074.3); c.4727_4731delCCAGT (NM_015074.3); short protein forms S1576fs, S1622fs.
Identifiers: ClinVar variation 3288442 (VCV003288442.1).
Genomic context (GRCh38, chr1:10,371,177, plus strand): 5'-TTGTAGTGTTCGGTTTGCTTCCAGTTGTCTGATATCTCTCCAATTGGACGGGATCCCTCT[GAGTCC>G]AGTTTCAGCAGTGCCACCCTCACTCCCTCCTCCACCTGTCCCTCTCTGGTAGACTCTAGG-3'

ClinVar aggregate classification (germline): Uncertain significance (1 of 4 stars; one submission).

Submission:

Ambry Genetics
Classification: Uncertain significance. Last evaluated: 2024-05-23. Review status: criteria provided, single submitter. Criteria: Ambry Variant Classification Scheme 2023. Collection method: clinical testing. Allele origin: germline.
Comment: The c.4727_4731delCCAGT variant, located in coding exon 42 of the KIF1B gene, results from a deletion of 5 nucleotides at nucleotide positions 4727 to 4731, causing a translational frameshift with a predicted alternate stop codon (p.S1576Ffs*19). This alteration is expected to result in loss of function by premature protein truncation or nonsense-mediated mRNA decay. The evidence for this gene-disease relationship is limited; therefore, the clinical significance of this alteration is unclear.